The following is an entry in ClinVar:

NM_000264.5(PTCH1):c.3168T>G (p.Ile1056Met)

Gene: PTCH1 (patched 1; minus strand). Cytogenetic location: 9q22.32.
Variant type: single nucleotide variant.
Coding change: c.3168T>G on transcript NM_000264.5 (MANE Select); coding-DNA position 3168, T replaced by G.
Protein change: p.Ile1056Met; replaces isoleucine 1056 with methionine.
Molecular consequence: missense variant. On other transcripts: non-coding transcript variant (1).
Genome position (GRCh38, 1-based): chr9:95,458,013, A>C on the plus strand (T>G on the coding strand, the complement: PTCH1 is on the minus strand). VCF-style: chr9-95458013-A-C. GRCh37 (hg19) VCF-style: chr9-98220295-A-C.
Other names: c.2970T>G, p.Ile990Met (NM_001083602.3); c.3165T>G, p.Ile1055Met (NM_001083603.3); c.2715T>G, p.Ile905Met (NM_001083604.3, NM_001083605.3, NM_001083606.3 and 1 more transcripts); c.3012T>G, p.Ile1004Met (NM_001354918.2); short protein forms I1004M, I1055M, I1056M, I905M, I990M.
Identifiers: ClinVar variation 3231005 (VCV003231005.1), dbSNP rs2538066597, ClinGen allele CA374112245.

ClinVar aggregate classification (germline): Uncertain significance (1 of 4 stars; one submission).

Conditions:
Hereditary cancer-predisposing syndrome. Also called: Neoplastic Syndromes, Hereditary; Tumor predisposition; Hereditary neoplastic syndrome; Hereditary Cancer Syndrome. Identifiers: Orphanet 140162, MedGen C0027672, MeSH D009386, MONDO:0015356.

Submission:

Ambry Genetics
Classification: Uncertain significance for Hereditary cancer-predisposing syndrome. Last evaluated: 2023-09-29. Review status: criteria provided, single submitter. Criteria: Ambry Variant Classification Scheme 2023. Collection method: clinical testing. Allele origin: germline.
Comment: The p.I1056M variant (also known as c.3168T>G), located in coding exon 18 of the PTCH1 gene, results from a T to G substitution at nucleotide position 3168. The amino acid change results in isoleucine to methionine at codon 1056, an amino acid with highly similar properties. This amino acid position is highly conserved in available vertebrate species. In addition, this alteration is predicted to be deleterious by in silico analysis. However, this change occurs in the last base pair of coding exon 18, which makes it likely to have some effect on normal mRNA splicing. This nucleotide position is not well conserved in available vertebrate species. In silico splice site analysis predicts that this alteration will not have any significant effect on splicing. RNA studies have demonstrated that this alteration does not result in abnormal splicing in the set of samples tested (Ambry internal data). Since supporting evidence is limited at this time, the clinical significance of this alteration remains unclear.